The following is an entry in ClinVar:

ClinVar aggregate classification (germline): Conflicting classifications of pathogenicity. Review status: criteria provided, conflicting classifications (1 of 4 stars). 2 submissions from 2 submitters: Likely pathogenic (1); Uncertain significance (1). Last evaluated 2024-04-23.

Conditions:
Cystic fibrosis (CF). Also called: MUCOVISCIDOSIS. Identifiers: Orphanet 586, MedGen C0010674, MONDO:0009061, OMIM 219700. Disease mechanism: loss of function.
Congenital bilateral aplasia of vas deferens from CFTR mutation (CBAVD). Identifiers: Orphanet 48, MedGen C0403814, MONDO:0010178, OMIM 277180. Disease mechanism: loss of function.

Allele frequency attached by ClinVar (database versions not stated): gnomAD exomes below 0.00001.
gnomAD v4.1: 2 of 1,595,330 alleles (0.00013%); highest among the groups gnomAD compares: Non-Finnish European, 0.00017%; no homozygotes.

Submissions (2):

Women's Health and Genetics/Laboratory Corporation of America, LabCorp
Classification: Uncertain significance. Last evaluated: 2024-04-23. Review status: criteria provided, single submitter. Criteria: LabCorp Variant Classification Summary - May 2015. Collection method: clinical testing. Allele origin: germline.
Comment: Variant summary: CFTR c.1825C>T (p.His609Tyr) results in a conservative amino acid change located in the ABC transporter-like, ATP-binding domain (IPR003439) of the encoded protein sequence. Two of four in-silico tools predict a benign effect of the variant on protein function. The variant was absent in 232284 control chromosomes (gnomAD). The available data on variant occurrences in the general population are insufficient to allow any conclusion about variant significance. To our knowledge, no occurrence of c.1825C>T in individuals affected with Cystic Fibrosis and no experimental evidence demonstrating its impact on protein function have been reported. A different variant affecting the same codon has been classified as pathogenic by our lab (c.1826A>G, p.His609Arg), supporting as possible critical relevance of codon 609 to CFTR protein function. ClinVar contains an entry for this variant (Variation ID: 1691298). Based on the evidence outlined above, the variant was classified as uncertain significance.

Diagnostics Services (NGS), CSIR - Centre For Cellular And Molecular Biology
Classification: Likely pathogenic for Cystic fibrosis; Congenital bilateral aplasia of vas deferens from CFTR mutation. Last evaluated: 2022-04-20. Review status: criteria provided, single submitter. Criteria: ACMG Guidelines, 2015. Collection method: clinical testing. Allele origin: unknown. Inheritance: Autosomal recessive inheritance. Affected: no. Observed: 1 variant allele, 1 heterozygote.
Comment: The c.1825C>T variant is not present in publicly available population databases like 1000 Genomes, Exome Variant Server (EVS), Exome Aggregation Consortium (ExAC), Genome Aggregation Database (gnomAD) and Indian Exome Database. The variant is not present in our in-house exome database. The variant was not previously reported to Clinvar, Human Genome Mutation Database (HGMD) and/or OMIM databases, in any affected individuals. In-silico pathogenicity prediction programs like PolyPhen-2, MutationTaster2, CADD, Varsome etc. predicted this variant to be likely deleterious. The variant is present in a mutational hotspot region of the CFTR gene and an alternative variant in the same amino acid position (His609Arg) was earlier published several times and reported to ClinVar as pathogenic (Accession: VCV000053398.10).

NM_000492.4(CFTR):c.1825C>T (p.His609Tyr)

Gene: CFTR (CF transmembrane conductance regulator; plus strand). Cytogenetic location: 7q31.2.
Variant type: single nucleotide variant.
Coding change: c.1825C>T on transcript NM_000492.4 (MANE Select); coding-DNA position 1825, C replaced by T.
Protein change: p.His609Tyr; replaces histidine 609 with tyrosine.
Molecular consequence: missense variant.
Genome position (GRCh38, 1-based): chr7:117,591,992, C>T. VCF-style: chr7-117591992-C-T. GRCh37 (hg19) VCF-style: chr7-117232046-C-T.
Other names: short protein forms H609Y.
Identifiers: ClinVar variation 1691298 (VCV001691298.5), dbSNP rs2116030305, ClinGen allele CA368978208.